The following is an entry in ClinVar:

NM_001330260.2(SCN8A):c.3381T>A (p.Asp1127Glu)

Gene: SCN8A (sodium voltage-gated channel alpha subunit 8; plus strand). Cytogenetic location: 12q13.13.
Variant type: single nucleotide variant.
Coding change: c.3381T>A on transcript NM_001330260.2 (MANE Select); coding-DNA position 3381, T replaced by A.
Protein change: p.Asp1127Glu; replaces aspartic acid 1127 with glutamic acid.
Molecular consequence: missense variant.
Genome position (GRCh38, 1-based): chr12:51,769,876, T>A. VCF-style: chr12-51769876-T-A. GRCh37 (hg19) VCF-style: chr12-52163660-T-A.
Other names: c.3381T>A, p.Asp1127Glu (NM_001177984.3, NM_001369788.1, NM_014191.4); short protein forms D1127E.
Identifiers: ClinVar variation 4801281 (VCV004801281.1).

ClinVar aggregate classification (germline): Uncertain significance (1 of 4 stars; one submission).

Conditions:
Early-infantile DEE. Also called: Early infantile epileptic encephalopathy with suppression bursts; Early infantile epileptic encephalopathy; Ohtahara syndrome. Identifiers: Orphanet 1934, MedGen C0393706, MONDO:0800491.

Submission:

Labcorp Genetics (formerly Invitae), Labcorp
Classification: Uncertain significance for Early-infantile DEE. Last evaluated: 2025-02-20. Review status: criteria provided, single submitter. Criteria: Invitae Variant Classification Sherloc (09022015). Collection method: clinical testing. Allele origin: germline.
Comment: This sequence change replaces aspartic acid, which is acidic and polar, with glutamic acid, which is acidic and polar, at codon 1127 of the SCN8A protein (p.Asp1127Glu). This variant is not present in population databases (gnomAD no frequency). This variant has not been reported in the literature in individuals affected with SCN8A-related conditions. Invitae Evidence Modeling of protein sequence and biophysical properties (such as structural, functional, and spatial information, amino acid conservation, physicochemical variation, residue mobility, and thermodynamic stability) indicates that this missense variant is not expected to disrupt SCN8A protein function with a negative predictive value of 95%. In summary, the available evidence is currently insufficient to determine the role of this variant in disease. Therefore, it has been classified as a Variant of Uncertain Significance.